The following is an entry in ClinVar:

ClinVar aggregate classification (germline): Uncertain significance. Review status: criteria provided, multiple submitters, no conflicts (2 of 4 stars). 2 submissions from 2 submitters: Uncertain significance (2). Last evaluated 2025-09-12.

Conditions:
Sessile serrated polyposis cancer syndrome (SSPCS). Identifiers: Orphanet 157798, MedGen C4310714, MONDO:0014919, OMIM 617108.

Submissions (2):

Ambry Genetics
Classification: Uncertain significance. Last evaluated: 2025-09-12. Review status: criteria provided, single submitter. Criteria: Ambry Variant Classification Scheme 2023. Collection method: clinical testing. Allele origin: germline.
Comment: The c.2130_2132delGCT variant (also known as p.L711del) is located in coding exon 8 of the RNF43 gene. This variant results from an in-frame GCT deletion at nucleotide positions 2130 to 2132. This results in the in-frame deletion of a leucine at codon 711. This amino acid position is well conserved in available vertebrate species. The evidence for this gene-disease relationship is limited; therefore, the clinical significance of this alteration is unclear.

Baylor Genetics
Classification: Uncertain significance for Sessile serrated polyposis cancer syndrome. Last evaluated: 2023-08-25. Review status: criteria provided, single submitter. Criteria: ACMG Guidelines, 2015. Collection method: clinical testing. Allele origin: unknown.

NM_017763.6(RNF43):c.2127GCT[1] (p.Leu711del)

Gene: RNF43 (ring finger protein 43; minus strand). Cytogenetic location: 17q22.
Variant type: Microsatellite.
Coding change: c.2127GCT[1] on transcript NM_017763.6 (MANE Select); one copy of the 3-base unit GCT starting at c.2127; the reference has two copies in a row; one copy, 3 bases deleted; also written c.2130_2132del.
Protein change: p.Leu711del; deletes leucine 711.
Molecular consequence: inframe deletion. On other transcripts: inframe indel (2).
Genome position (GRCh38, 1-based): chr17:58,357,644-58,357,646, AGC deleted on the plus strand (GCT on the coding strand, the reverse complement: RNF43 is on the minus strand); deleting any 3 consecutive bases within chr17:58,357,644-58,357,649 gives the same sequence; the position shown is the placement nearest the transcript's 3' end. VCF-style (leftmost placement, unchanged base first): chr17-58357643-TAGC-T. GRCh37 (hg19) VCF-style: chr17-56435004-TAGC-T.
Other names: c.2127_2129GCT[1], p.Leu711del (NM_001305544.3); c.1746_1748GCT[1], p.Leu584del (NM_001305545.2); c.2130_2132del (NM_017763.6); c.2130_2132delGCT (NM_017763.4); short protein forms L584del, L711del.
Identifiers: ClinVar variation 2678408 (VCV002678408.2), dbSNP rs2509337371, ClinGen allele CA2638986836.